The following is an entry in ClinVar:

ClinVar aggregate classification (germline): Likely pathogenic. Review status: criteria provided, multiple submitters, no conflicts (2 of 4 stars). 2 submissions from 2 submitters: Likely pathogenic (2). Last evaluated 2024-03-04.

Conditions:
Severe congenital neutropenia (SCN). Identifiers: Orphanet 42738, MedGen C1853118, MONDO:0018542.
Kostmann syndrome (SCN3). Also called: KOSTMANN DISEASE; Autosomal recessive severe congenital neutropenia type 3. Identifiers: Orphanet 99749, MedGen C5235141, MONDO:0012548, OMIM 610738.

Submissions (2):

Natera, Inc.
Classification: Likely pathogenic for Autosomal recessive severe congenital neutropenia type 3. Last evaluated: 2024-03-04. Review status: criteria provided, single submitter. Criteria: Natera Variant Classification Schema (03/2026). Collection method: clinical testing. Allele origin: germline.
Comment: The c.601C>T variant in HAX1 is a nonsense variant predicted to introduce a stop codon at amino acid 201. This variant is expected to result in nonsense mediated decay, truncation, or a dysfunctional protein product. This variant is rare in the general population with a frequency below the threshold expected for the associated phenotype(s). Given the available evidence, this variant is classified as Likely Pathogenic.

Women's Health and Genetics/Laboratory Corporation of America, LabCorp
Classification: Likely pathogenic for Severe congenital neutropenia. Last evaluated: 2023-01-31. Review status: criteria provided, single submitter. Criteria: LabCorp Variant Classification Summary - May 2015. Collection method: clinical testing. Allele origin: germline.
Comment: Variant summary: HAX1 c.601C>T (p.Gln201X) results in a premature termination codon, predicted to cause a truncation of the encoded protein or absence of the protein due to nonsense mediated decay, which are commonly known mechanisms for disease. Truncations downstream of this position (e.g. p.Arg126GlyfsX88, p.Val144SerfsX70, p.Pro219TrpfsX13) have been reported in affected individuals (PMIDs: 22102707, 33225392, 31321910). The variant was absent in 251354 control chromosomes. To our knowledge, no occurrence of c.601C>T in individuals affected with Severe Congenital Neutropenia and no experimental evidence demonstrating its impact on protein function have been reported. No submitters have provided clinical-significance assessments for this variant to ClinVar after 2014. Based on the evidence outlined above, the variant was classified as likely pathogenic.

NM_006118.4(HAX1):c.601C>T (p.Gln201Ter)

Gene: HAX1 (HCLS1 associated protein X-1; plus strand). Cytogenetic location: 1q21.3.
Variant type: single nucleotide variant.
Coding change: c.601C>T on transcript NM_006118.4 (MANE Select); coding-DNA position 601, C replaced by T.
Protein change: p.Gln201Ter; replaces glutamine 201 with a stop codon.
Molecular consequence: nonsense.
Genome position (GRCh38, 1-based): chr1:154,275,198, C>T. VCF-style: chr1-154275198-C-T. GRCh37 (hg19) VCF-style: chr1-154247674-C-T.
Other names: c.457C>T, p.Gln153Ter (NM_001018837.2); short protein forms Q153*, Q201*.
Identifiers: ClinVar variation 2429217 (VCV002429217.4), dbSNP rs2524938045, ClinGen allele CA342593679.